The following is an entry in ClinVar:

ClinVar aggregate classification (germline): Uncertain significance (1 of 4 stars; one submission).

Allele frequency attached by ClinVar (database versions not stated): gnomAD exomes below 0.00001.

Submission:

Labcorp Genetics (formerly Invitae), Labcorp
Classification: Uncertain significance. Last evaluated: 2021-03-26. Review status: criteria provided, single submitter. Criteria: Invitae Variant Classification Sherloc (09022015). Collection method: clinical testing. Allele origin: germline.
Comment: In summary, the available evidence is currently insufficient to determine the role of this variant in disease. Therefore, it has been classified as a Variant of Uncertain Significance. Advanced modeling of protein sequence and biophysical properties (such as structural, functional, and spatial information, amino acid conservation, physicochemical variation, residue mobility, and thermodynamic stability) performed at Invitae indicates that this missense variant is not expected to disrupt DUOX2 protein function. This variant has not been reported in the literature in individuals with DUOX2-related conditions. This variant is not present in population databases (ExAC no frequency). This sequence change replaces asparagine with aspartic acid at codon 676 of the DUOX2 protein (p.Asn676Asp). The asparagine residue is weakly conserved and there is a small physicochemical difference between asparagine and aspartic acid.

NM_001363711.2(DUOX2):c.2026A>G (p.Asn676Asp)

Gene: DUOX2 (dual oxidase 2; minus strand). Cytogenetic location: 15q21.1.
Variant type: single nucleotide variant.
Coding change: c.2026A>G on transcript NM_001363711.2 (MANE Select); coding-DNA position 2026, A replaced by G.
Protein change: p.Asn676Asp; replaces asparagine 676 with aspartic acid.
Molecular consequence: missense variant.
Genome position (GRCh38, 1-based): chr15:45,106,247, T>C on the plus strand (A>G on the coding strand, the complement: DUOX2 is on the minus strand). VCF-style: chr15-45106247-T-C. GRCh37 (hg19) VCF-style: chr15-45398445-T-C.
Other names: c.2026A>G, p.Asn676Asp (NM_014080.5); short protein forms N676D.
Identifiers: ClinVar variation 1472259 (VCV001472259.8), dbSNP rs1434332026, ClinGen allele CA392273160.